The following is an entry in ClinVar:

NM_000260.4(MYO7A):c.5411del (p.Leu1804fs)

Gene: MYO7A (myosin VIIA; plus strand). Cytogenetic location: 11q13.5.
Variant type: Deletion.
Coding change: c.5411del on transcript NM_000260.4 (MANE Select); coding-DNA position 5411, one base deleted (T; older notation c.5411delT).
Protein change: p.Leu1804fs; shifts the reading frame from leucine 1804.
Molecular consequence: frameshift variant.
Genome position (GRCh38, 1-based): chr11:77,204,160, T deleted. VCF-style (leftmost placement, unchanged base first): chr11-77204159-CT-C. GRCh37 (hg19) VCF-style: chr11-76915204-CT-C.
Other names: c.5297del, p.Leu1766fs (NM_001127180.2); c.5264del, p.Leu1755fs (NM_001369365.1); short protein forms L1755fs, L1766fs, L1804fs.
Identifiers: ClinVar variation 3236335 (VCV003236335.2), dbSNP rs2497682974, ClinGen allele CA2615263487.

ClinVar aggregate classification (germline): Pathogenic. Review status: criteria provided, single submitter (1 of 4 stars). 2 submissions from 2 submitters: Pathogenic (1). 1 of the submissions does not count toward it. Last evaluated 2025-10-17.

Conditions:
Usher syndrome type 1 (USH1). Also called: RETINITIS PIGMENTOSA AND CONGENITAL DEAFNESS. Identifiers: Orphanet 231169, Orphanet 886, MedGen C1568247, MONDO:0010168, OMIM 276900.
Autosomal recessive nonsyndromic hearing loss 2. Also called: DEAFNESS, AUTOSOMAL RECESSIVE 2; NEUROSENSORY NONSYNDROMIC RECESSIVE DEAFNESS 2. Identifiers: Orphanet 90636, MedGen C1838701, MONDO:0010807, OMIM 600060.

Submissions (2):

3billion
Classification: Pathogenic for Usher syndrome type 1. Last evaluated: 2025-10-17. Review status: criteria provided, single submitter. Criteria: ACMG Guidelines, 2015. Collection method: clinical testing. Allele origin: germline. Affected: yes.
Comment: The variant is not observed in the gnomAD v4.1.0 dataset. Predicted Consequence/Location: Frameshift: predicted to result in a loss or disruption of normal protein function through nonsense-mediated decay (NMD) or protein truncation. Multiple pathogenic variants are reported downstream of the variant. The variant has been reported to be associated with MYO7A-related disorder (ClinVar ID: VCV003236335 /PMID: 15043528). Therefore, this variant is classified as Pathogenic according to the recommendation of ACMG/AMP guideline.

Dr.Nikuei Genetic Center
Classification: Pathogenic for Autosomal recessive nonsyndromic hearing loss 2. Review status: no assertion criteria provided. Collection method: clinical testing. Allele origin: germline. Inheritance: Autosomal recessive inheritance. Affected: yes. Observed: 1 homozygote. Not counted in ClinVar's aggregate classification.

Literature cited by the submitters: PubMed 15043528 (cited by 3billion).